The following is an entry in ClinVar:

NM_020937.4(FANCM):c.1771G>A (p.Glu591Lys)

Gene: FANCM (FA complementation group M; plus strand). Cytogenetic location: 14q21.2.
Variant type: single nucleotide variant.
Coding change: c.1771G>A on transcript NM_020937.4 (MANE Select); coding-DNA position 1771, G replaced by A.
Protein change: p.Glu591Lys; replaces glutamic acid 591 with lysine.
Molecular consequence: missense variant.
Genome position (GRCh38, 1-based): chr14:45,164,548, G>A. VCF-style: chr14-45164548-G-A. GRCh37 (hg19) VCF-style: chr14-45633751-G-A.
Other names: c.1693G>A, p.Glu565Lys (NM_001308133.2); c.1771G>A, p.Glu591Lys (NM_001308134.2); short protein forms E565K, E591K.
Identifiers: ClinVar variation 2869462 (VCV002869462.5), dbSNP rs776752802, ClinGen allele CA7169146.

ClinVar aggregate classification (germline): Uncertain significance. Review status: criteria provided, multiple submitters, no conflicts (2 of 4 stars). 2 submissions from 2 submitters: Uncertain significance (2). Last evaluated 2025-08-25.

Conditions:
Inborn genetic diseases. Identifiers: MedGen C0950123, MeSH D030342.
Fanconi anemia (FA). Also called: Fanconi's anemia. Identifiers: Orphanet 84, MedGen C0015625, MeSH D005199, MONDO:0019391.

Allele frequency attached by ClinVar (database versions not stated): gnomAD exomes below 0.00001; ExAC 0.00001; TOPMed 0.00002; gnomAD 0.00003.
gnomAD v4.1: 7 of 1,612,264 alleles (0.00043%); highest among the groups gnomAD compares: Admixed American, 0.01%; no homozygotes.

Submissions (2):

Ambry Genetics
Classification: Uncertain significance for Inborn genetic diseases. Last evaluated: 2025-08-25. Review status: criteria provided, single submitter. Criteria: Ambry Variant Classification Scheme 2023. Collection method: clinical testing. Allele origin: germline.

Labcorp Genetics (formerly Invitae), Labcorp
Classification: Uncertain significance for Fanconi anemia. Last evaluated: 2023-12-28. Review status: criteria provided, single submitter. Criteria: Invitae Variant Classification Sherloc (09022015). Collection method: clinical testing. Allele origin: germline.
Comment: This sequence change replaces glutamic acid, which is acidic and polar, with lysine, which is basic and polar, at codon 591 of the FANCM protein (p.Glu591Lys). This variant is present in population databases (rs776752802, gnomAD 0.003%). This variant has not been reported in the literature in individuals affected with FANCM-related conditions. An algorithm developed to predict the effect of missense changes on protein structure and function (PolyPhen-2) suggests that this variant is likely to be tolerated. In summary, the available evidence is currently insufficient to determine the role of this variant in disease. Therefore, it has been classified as a Variant of Uncertain Significance.